The following is an entry in ClinVar:

NM_000179.3(MSH6):c.3505C>A (p.Pro1169Thr)

Gene: MSH6 (mutS homolog 6; plus strand). Cytogenetic location: 2p16.3.
Variant type: single nucleotide variant.
Coding change: c.3505C>A on transcript NM_000179.3 (MANE Select); coding-DNA position 3505, C replaced by A.
Protein change: p.Pro1169Thr; replaces proline 1169 with threonine.
Molecular consequence: missense variant.
Genome position (GRCh38, 1-based): chr2:47,804,976, C>A. VCF-style: chr2-47804976-C-A. GRCh37 (hg19) VCF-style: chr2-48032115-C-A.
Other names: c.3115C>A, p.Pro1039Thr (NM_001281492.2); c.2599C>A, p.Pro867Thr (NM_001281493.2, NM_001281494.2); short protein forms P1169T, P1039T, P867T.
Identifiers: ClinVar variation 576715 (VCV000576715.17), dbSNP rs904846776, ClinGen allele CA346760178.

ClinVar aggregate classification (germline): Uncertain significance. Review status: criteria provided, multiple submitters, no conflicts (2 of 4 stars). 4 submissions from 4 submitters: Uncertain significance (4). Last evaluated 2025-01-06.

Conditions:
Hereditary cancer-predisposing syndrome. Also called: Tumor predisposition; Hereditary neoplastic syndrome; Hereditary Cancer Syndrome; Neoplastic Syndromes, Hereditary. Identifiers: Orphanet 140162, MedGen C0027672, MeSH D009386, MONDO:0015356.
Hereditary nonpolyposis colorectal neoplasms. Identifiers: MedGen C0009405, MeSH D003123.

Submissions (4):

Labcorp Genetics (formerly Invitae), Labcorp
Classification: Uncertain significance for Hereditary nonpolyposis colorectal neoplasms. Last evaluated: 2025-01-06. Review status: criteria provided, single submitter. Criteria: Invitae Variant Classification Sherloc (09022015). Collection method: clinical testing. Allele origin: germline.
Comment: This sequence change replaces proline, which is neutral and non-polar, with threonine, which is neutral and polar, at codon 1169 of the MSH6 protein (p.Pro1169Thr). This variant is not present in population databases (gnomAD no frequency). This variant has not been reported in the literature in individuals affected with MSH6-related conditions. ClinVar contains an entry for this variant (Variation ID: 576715). Invitae Evidence Modeling of protein sequence and biophysical properties (such as structural, functional, and spatial information, amino acid conservation, physicochemical variation, residue mobility, and thermodynamic stability) indicates that this missense variant is not expected to disrupt MSH6 protein function with a negative predictive value of 95%. In summary, the available evidence is currently insufficient to determine the role of this variant in disease. Therefore, it has been classified as a Variant of Uncertain Significance.

Ambry Genetics
Classification: Uncertain significance for Hereditary cancer-predisposing syndrome. Last evaluated: 2024-06-14. Review status: criteria provided, single submitter. Criteria: Ambry Variant Classification Scheme 2023. Collection method: clinical testing. Allele origin: germline.
Comment: The p.P1169T variant (also known as c.3505C>A), located in coding exon 6 of the MSH6 gene, results from a C to A substitution at nucleotide position 3505. The proline at codon 1169 is replaced by threonine, an amino acid with highly similar properties. This amino acid position is highly conserved in available vertebrate species. In addition, this alteration is predicted to be deleterious by in silico analysis. Based on the available evidence, the clinical significance of this variant remains unclear.

Color Diagnostics, LLC DBA Color Health
Classification: Uncertain significance for Hereditary cancer-predisposing syndrome. Last evaluated: 2023-12-05. Review status: criteria provided, single submitter. Criteria: ACMG Guidelines, 2015. Collection method: clinical testing. Allele origin: germline.
Comment: This missense variant replaces proline with threonine at codon 1169 of the MSH6 protein. Computational prediction suggests that this variant may have deleterious impact on protein structure and function (internally defined REVEL score threshold >= 0.7, PMID: 27666373). To our knowledge, functional studies have not been reported for this variant. This variant has not been reported in individuals affected with MSH6-related disorders in the literature. This variant has not been identified in the general population by the Genome Aggregation Database (gnomAD). The available evidence is insufficient to determine the role of this variant in disease conclusively. Therefore, this variant is classified as a Variant of Uncertain Significance.

GeneDx
Classification: Uncertain significance. Last evaluated: 2022-12-08. Review status: criteria provided, single submitter. Criteria: GeneDx Variant Classification Process June 2021. Collection method: clinical testing. Allele origin: germline. Affected: yes.
Comment: Not observed at significant frequency in large population cohorts (gnomAD); In silico analysis supports that this missense variant has a deleterious effect on protein structure/function; Has not been previously published as pathogenic or benign to our knowledge; This variant is associated with the following publications: (PMID: 17531815, 21120944)